The following is an entry in ClinVar:

ClinVar aggregate classification (germline): Uncertain significance. Review status: criteria provided, multiple submitters, no conflicts (2 of 4 stars). 2 submissions from 2 submitters: Uncertain significance (2). Last evaluated 2024-03-23.

Conditions:
Amyotrophic lateral sclerosis type 1 (ALS1). Also called: AMYOTROPHIC LATERAL SCLEROSIS 1, FAMILIAL. Identifiers: Orphanet 803, MedGen C1862939, MONDO:0007103, OMIM 105400.
Neuronopathy, distal hereditary motor, type 7B. Also called: NEURONOPATHY, DISTAL HEREDITARY MOTOR, AUTOSOMAL DOMINANT 14; NEURONOPATHY, DISTAL HEREDITARY MOTOR, HARDING TYPE VIIB; NEUROPATHY, DISTAL HEREDITARY MOTOR, HARDING TYPE VIIB; NEUROPATHY, DISTAL HEREDITARY MOTOR, WITH VOCAL CORD PARALYSIS, HARDING TYPE VIIB; HMN VIIB; LOWER MOTOR NEURON DISEASE, DYNACTIN TYPE. Identifiers: Orphanet 139589, MedGen C1843315, MONDO:0011879, OMIM 607641.
Perry syndrome. Also called: PARKINSONISM WITH ALVEOLAR HYPOVENTILATION AND MENTAL DEPRESSION. Identifiers: Orphanet 178509, MedGen C1868594, MONDO:0008201, OMIM 168605.

Allele frequency attached by ClinVar (database versions not stated): TOPMed below 0.00001; gnomAD exomes 0.00002.
gnomAD v4.1: 4 of 1,614,104 alleles (0.00025%); highest among the groups gnomAD compares: Admixed American, 0.0067%; no homozygotes.

Submissions (2):

Labcorp Genetics (formerly Invitae), Labcorp
Classification: Uncertain significance for Amyotrophic lateral sclerosis type 1; Neuronopathy, distal hereditary motor, type 7B; Perry syndrome. Last evaluated: 2024-03-23. Review status: criteria provided, single submitter. Criteria: Invitae Variant Classification Sherloc (09022015). Collection method: clinical testing. Allele origin: germline.
Comment: This sequence change replaces proline, which is neutral and non-polar, with glutamine, which is neutral and polar, at codon 106 of the DCTN1 protein (p.Pro106Gln). This variant is present in population databases (no rsID available, gnomAD 0.01%). This variant has not been reported in the literature in individuals affected with DCTN1-related conditions. ClinVar contains an entry for this variant (Variation ID: 1033635). Advanced modeling of protein sequence and biophysical properties (such as structural, functional, and spatial information, amino acid conservation, physicochemical variation, residue mobility, and thermodynamic stability) performed at Invitae indicates that this missense variant is not expected to disrupt DCTN1 protein function with a negative predictive value of 80%. In summary, the available evidence is currently insufficient to determine the role of this variant in disease. Therefore, it has been classified as a Variant of Uncertain Significance.

Baylor Genetics
Classification: Uncertain significance for Neuronopathy, distal hereditary motor, type 7B. Last evaluated: 2018-03-01. Review status: criteria provided, single submitter. Criteria: ACMG Guidelines, 2015. Collection method: clinical testing. Allele origin: maternal. Affected: yes.
Comment: This variant was determined to be of uncertain significance according to ACMG Guidelines, 2015 [PMID:25741868].

NM_004082.5(DCTN1):c.317C>A (p.Pro106Gln)

Gene: DCTN1 (dynactin subunit 1; minus strand). Cytogenetic location: 2p13.1.
Variant type: single nucleotide variant.
Coding change: c.317C>A on transcript NM_004082.5 (MANE Select); coding-DNA position 317, C replaced by A.
Protein change: p.Pro106Gln; replaces proline 106 with glutamine.
Molecular consequence: missense variant. On other transcripts: non-coding transcript variant (1).
Genome position (GRCh38, 1-based): chr2:74,377,689, G>T on the plus strand (C>A on the coding strand, the complement: DCTN1 is on the minus strand). VCF-style: chr2-74377689-G-T. GRCh37 (hg19) VCF-style: chr2-74604816-G-T.
Other names: c.317C>A, p.Pro106Gln (NM_001135040.3, NM_001190837.2); c.266C>A, p.Pro89Gln (NM_001190836.2, NM_001378991.1, NM_001378992.1); short protein forms P106Q, P89Q.
Identifiers: ClinVar variation 1033635 (VCV001033635.3), dbSNP rs1486314155, ClinGen allele CA347321197.